The following is an entry in ClinVar:

ClinVar aggregate classification (germline): Conflicting classifications of pathogenicity. Review status: criteria provided, conflicting classifications (1 of 4 stars). 3 submissions from 3 submitters: Uncertain significance (2); Likely benign (1). Last evaluated 2025-06-12.

Conditions:
Familial hypobetalipoproteinemia 1. Also called: APOB-Related Familial Hypobetalipoproteinemia; Hypobetalipoproteinemia, normotriglyceridemic; Acanthocytosis with hypobetalipoproteinemia. Identifiers: MedGen C4551990, MONDO:0014252, OMIM 615558.
Hypercholesterolemia, autosomal dominant, type B (FHCL2). Also called: Hyperlipoproteinemia Type IIb; Familial hypercholesterolemia 2; Familial Hypercholesterolemia Type B; APOLIPOPROTEIN B-100, FAMILIAL DEFECTIVE; APOLIPOPROTEIN B-100, FAMILIAL LIGAND-DEFECTIVE; HYPERCHOLESTEROLEMIA, FAMILIAL, DUE TO LIGAND-DEFECTIVE APOLIPOPROTEIN B. Identifiers: MedGen C1704417, MONDO:0007751, OMIM 144010.
Cardiovascular phenotype. Identifiers: MedGen CN230736.

Allele frequency attached by ClinVar (database versions not stated): gnomAD 0.00003; TOPMed 0.00004.
gnomAD v4.1: 7 of 1,613,896 alleles (0.00043%); highest among the groups gnomAD compares: African/African-American, 0.0067%; no homozygotes.

Submissions (3):

GeneDx
Classification: Uncertain significance. Last evaluated: 2025-06-12. Review status: criteria provided, single submitter. Criteria: GeneDx Variant Classification Process June 2021. Collection method: clinical testing. Allele origin: germline. Affected: yes.
Comment: Not observed at significant frequency in large population cohorts (gnomAD); In silico analysis supports that this missense variant has a deleterious effect on protein structure/function; Has not been previously published as pathogenic or benign to our knowledge

Labcorp Genetics (formerly Invitae), Labcorp
Classification: Likely benign for Familial hypobetalipoproteinemia 1; Hypercholesterolemia, autosomal dominant, type B. Last evaluated: 2024-01-16. Review status: criteria provided, single submitter. Criteria: Invitae Variant Classification Sherloc (09022015). Collection method: clinical testing. Allele origin: germline.

Ambry Genetics
Classification: Uncertain significance for Cardiovascular phenotype. Last evaluated: 2022-11-27. Review status: criteria provided, single submitter. Criteria: Ambry Variant Classification Scheme 2023. Collection method: clinical testing. Allele origin: germline.
Comment: The p.Q3378H variant (also known as c.10134G>C), located in coding exon 26 of the APOB gene, results from a G to C substitution at nucleotide position 10134. The glutamine at codon 3378 is replaced by histidine, an amino acid with highly similar properties. This amino acid position is not well conserved in available vertebrate species. In addition, this alteration is predicted to be tolerated by in silico analysis. Since supporting evidence is limited at this time, the clinical significance of this alteration remains unclear.

NM_000384.3(APOB):c.10134G>C (p.Gln3378His)

Gene: APOB (apolipoprotein B; minus strand). Cytogenetic location: 2p24.1.
Variant type: single nucleotide variant.
Coding change: c.10134G>C on transcript NM_000384.3 (MANE Select); coding-DNA position 10134, G replaced by C.
Protein change: p.Gln3378His; replaces glutamine 3378 with histidine.
Molecular consequence: missense variant.
Genome position (GRCh38, 1-based): chr2:21,006,734, C>G on the plus strand (G>C on the coding strand, the complement: APOB is on the minus strand). VCF-style: chr2-21006734-C-G. GRCh37 (hg19) VCF-style: chr2-21229606-C-G.
Other names: short protein forms Q3378H.
Identifiers: ClinVar variation 1735492 (VCV001735492.7), dbSNP rs886609418, ClinGen allele CA43496442.
Genomic context (GRCh38, chr2:21,006,734, plus strand): 5'-AGCTGTGGCTAACTTCAATCCCCTTTTTCTTGTCAATCTTGTGGTGCCCTCTAATTTGTA[C>G]TGCAGTGCATCAATGACAGATGAAGATGAAGAAAGGAGATGAGCAACAATATCTGACTGG-3'
Protein context (NP_000375.3, residues 3368-3388): SSSSSVIDAL[Gln3378His]YKLEGTTRLT